The following continues an entry in ClinVar:

NM_000518.5(HBB):c.93-21G>A

ClinVar aggregate classification (germline): Pathogenic. Pathogenic (1).

Submissions 22 to 43 of 43:

Laboratory for Molecular Medicine, Mass General Brigham Personalized Medicine
Classification: Pathogenic for beta Thalassemia. Last evaluated: 2022-11-03. Review status: criteria provided, single submitter. Criteria: ACMG Guidelines, 2015. Collection method: clinical testing. Allele origin: germline. Not counted in ClinVar's aggregate classification.
Comment: The c.93-21G>A variant in HBB, also known as IVS-I-110 G>A, has been reported in numerous individuals with beta-thalassemia and is one of the most common beta-thalassemia alleles in Mediterranean and Middle-Eastern countries (Kaplan 1990 PMID: 1967205, (Carrocini 2017 PMID: 28366028, Hussain 2017 PMID: 28670940, Jalilian 2017 PMID: 28391758, Baysal 1992 PMID: 1390250)). It has also been reported in ClinVar (Variation ID 15454) and has been identified in 14/68028 European chromosomes by gnomAD. In vitro functional studies support an impact on splicing (Busslinger 1981 PMID: 6895866). In summary, this variant meets criteria to be classified as pathogenic for autosomal recessive beta thalassemia. ACMG/AMP Criteria applied: PM2_Supporting, PS3_Moderate, PM3_very strong.

MGZ Medical Genetics Center
Classification: Pathogenic for Beta-thalassemia HBB/LCRB. Last evaluated: 2022-08-29. Review status: criteria provided, single submitter. Criteria: ACMG Guidelines, 2015. Collection method: clinical testing. Allele origin: germline. Affected: yes. Observed: 5 variant alleles. Not counted in ClinVar's aggregate classification.
Comment: ACMG criteria applied: PM3_VSTR, PS4, PM2_SUP, PP4

Clinical Genetics Laboratory, Skane University Hospital Lund
Classification: Pathogenic. Last evaluated: 2022-05-27. Review status: criteria provided, single submitter. Criteria: ACMG Guidelines, 2015. Collection method: clinical testing. Allele origin: germline. Affected: yes. Not counted in ClinVar's aggregate classification.

3billion
Classification: Pathogenic for Beta-thalassemia HBB/LCRB. Last evaluated: 2022-03-22. Review status: criteria provided, single submitter. Criteria: ACMG Guidelines, 2015. Collection method: clinical testing. Allele origin: germline. Affected: yes. Observed: 1 heterozygote. Not counted in ClinVar's aggregate classification.
Comment: The variant has been observed in multiple (>3) similarly affected unrelated individuals (PMID: 28391758, 28366028, 2200760). It was observed to be in trans with the other variant (3billion dataset). The variant has been reported at least twice as pathogenic/likely pathogenic with clinical assertions and evidence for the classification (ClinVar ID: VCV000015454). It is observed at an extremely low frequency in the gnomAD v2.1.1 dataset (total allele frequency: 0.0001668). Therefore, this variant is classified as pathogenic according to the recommendation of ACMG/AMP guideline.

GeneDx
Classification: Pathogenic. Last evaluated: 2021-12-10. Review status: criteria provided, single submitter. Criteria: GeneDx Variant Classification Process June 2021. Collection method: clinical testing. Allele origin: germline. Affected: yes. Not counted in ClinVar's aggregate classification.
Comment: In vitro RNA and functional studies demonstrate a damaging effect with the creation of an alternative splice site causing abnormal gene splicing (Busslinger et al., 1981).; Also known as IVS-I-110G>A; This variant is associated with the following publications: (PMID: 6264391, 21797703, 25087612, 22975760, 28670940, 27979672, 31456457, 31130284, 21228398, 26372288, 1967205, 26016902, 1390250, 6895866, 6264477, 28391758, 28366028, 28667000, 14555304, 9163586, 31589614, 15609277, 9629495, 12702481, 2577233)

New York Genome Center
Classification: Pathogenic. Last evaluated: 2021-07-23. Review status: criteria provided, single submitter. Criteria: NYGC Assertion Criteria 2020. Collection method: clinical testing. Allele origin: inherited. Observed: 1 heterozygote. Study: CSER-NYCKidSeq. Not counted in ClinVar's aggregate classification.

AiLife Diagnostics
Classification: Likely pathogenic. Last evaluated: 2021-06-24. Review status: criteria provided, single submitter. Criteria: ACMG Guidelines, 2015. Collection method: clinical testing. Allele origin: germline. Affected: yes. Observed: 1 variant allele. Not counted in ClinVar's aggregate classification.

Genome-Nilou Lab
Classification: Pathogenic for beta Thalassemia. Last evaluated: 2021-05-12. Review status: criteria provided, single submitter. Criteria: ACMG Guidelines, 2015. Collection method: clinical testing. Allele origin: germline. Affected: yes. Not counted in ClinVar's aggregate classification.

CENTOGENE GmbH and LLC - Guiding Precision Medicine
Classification: Pathogenic for Beta-thalassemia HBB/LCRB. Last evaluated: 2021-04-06. Review status: criteria provided, single submitter. Criteria: ACMG Guidelines, 2015. Collection method: clinical testing. Allele origin: germline. Affected: yes. Not counted in ClinVar's aggregate classification.

Genomic Research Center, Shahid Beheshti University of Medical Sciences
Classification: Pathogenic. Last evaluated: 2020-05-03. Review status: criteria provided, single submitter. Criteria: ACMG Guidelines, 2015. Collection method: clinical testing. Allele origin: unknown. Affected: no. Not counted in ClinVar's aggregate classification.

Genetics and Molecular Pathology, SA Pathology
Classification: Pathogenic for Beta-thalassemia HBB/LCRB. Last evaluated: 2020-01-17. Review status: criteria provided, single submitter. Criteria: ACMG Guidelines, 2015. Collection method: clinical testing. Allele origin: germline. Affected: yes. Not counted in ClinVar's aggregate classification.

Myriad Genetics, Inc.
Classification: Pathogenic for Beta-thalassemia HBB/LCRB. Last evaluated: 2019-10-18. Review status: criteria provided, single submitter. Criteria: Myriad Women's Health Autosomal Recessive and X-Linked Classification Criteria (2019). Collection method: clinical testing. Allele origin: unknown. Not counted in ClinVar's aggregate classification.
Comment: NM_000518.4(HBB):c.93-21G>A is classified as pathogenic and is associated with beta thalassemia. Sources cited for classification include the following: PMID 2200760, 1390250, 8330981, 1967205, 1390250, 2200760, 6264477, 6264391. Classification of NM_000518.4(HBB):c.93-21G>A is based on the following criteria: This is a well-established pathogenic variant in the literature that has been observed more frequently in patients with clinical diagnoses than in healthy populations. Please note: this variant was assessed in the context of healthy population screening.

Institute of Human Genetics, University of Leipzig Medical Center
Classification: Pathogenic for Hereditary persistence of fetal hemoglobin. Last evaluated: 2019-01-01. Review status: criteria provided, single submitter. Criteria: ACMG Guidelines, 2015. Collection method: clinical testing. Allele origin: unknown. Affected: yes. Not counted in ClinVar's aggregate classification.
Comment: This variant was identified as compound heterozygous.

Fulgent Genetics
Classification: Pathogenic for Heinz body anemia; Hereditary persistence of fetal hemoglobin; Dominant beta-thalassemia; Hb SS disease; alpha Thalassemia; Malaria, susceptibility to; Beta-thalassemia HBB/LCRB; METHEMOGLOBINEMIA, BETA TYPE; Erythrocytosis, familial, 6. Last evaluated: 2018-10-31. Review status: criteria provided, single submitter. Criteria: ACMG Guidelines, 2015. Collection method: clinical testing. Allele origin: unknown. Not counted in ClinVar's aggregate classification.

Ambry Genetics
Classification: Pathogenic for Inborn genetic diseases. Last evaluated: 2015-08-31. Review status: criteria provided, single submitter. Criteria: Ambry Variant Classification Scheme 2023. Collection method: clinical testing. Allele origin: germline. Not counted in ClinVar's aggregate classification.
Comment: The c.93-21G>A pathogenic mutation (also known as IVS1-110G>A), located in coding intron 1 of the HBB gene, results from a G>A substitution 21 nucleotides before coding exon 2. In a population of Turkish patients affected with beta thalassemia major, 33 individuals were homozygous for this pathogenic mutation and the allele frequency in some Turkish subpopulations is as high as 75% of disease alleles (Fettah A et al. Mediterr J Hematol Infect Dis. 2013;5(1):e2013055 and Baysal et al. Br J Haematol. 1992;81(4):607-9. ). RT-PCR studies from mRNA in both human samples and mouse models demonstrated the presence of aberrant splicing, with 90% of transcripts with abnormal splicing in homozygous mice (Vadolas J. J Biol Chem. 2006 Mar 17;281(11):7399-405). Based on the supporting evidence, c.93-21G>A is interpreted as a disease-causing mutation.

Baylor Genetics
Classification: Pathogenic for Hb SS disease. Review status: criteria provided, single submitter. Criteria: ACMG Guidelines, 2015. Collection method: clinical testing. Allele origin: germline. Not counted in ClinVar's aggregate classification.

Intergen Genetics and Rare Diseases Diagnosis Center
Classification: Pathogenic for Beta-thalassemia HBB/LCRB. Review status: criteria provided, single submitter. Criteria: ACMG Guidelines, 2015. Collection method: clinical testing. Allele origin: unknown. Inheritance: Autosomal recessive inheritance. Affected: yes. Observed: 1 heterozygote. Not counted in ClinVar's aggregate classification.

Kariminejad - Najmabadi Pathology & Genetics Center
Classification: Likely pathogenic for Hb SS disease. Review status: criteria provided, single submitter. Criteria: ACMG Guidelines, 2015. Collection method: clinical testing. Allele origin: germline. Affected: no. Not counted in ClinVar's aggregate classification.

The ITHANET community portal, The Cyprus Institute of Neurology and Genetics
Classification: Pathogenic for beta Thalassemia. Last evaluated: 2019-11-25. Review status: no assertion criteria provided. Collection method: curation. Allele origin: germline. Not counted in ClinVar's aggregate classification.

OMIM
Classification: Pathogenic for BETA-PLUS-THALASSEMIA. Last evaluated: 1990-01-01. Review status: no assertion criteria provided. Collection method: literature only. Allele origin: germline. Not counted in ClinVar's aggregate classification.

GeneReviews
No classification provided. Condition: beta Thalassemia. Review status: no classification provided. Collection method: literature only. Allele origin: germline. Not counted in ClinVar's aggregate classification.

Pediatric Molecular Hematology, Schneider Children's Medical Center of Israel
Classification: Pathogenic for Beta-thalassemia HBB/LCRB. Review status: no assertion criteria provided. Collection method: clinical testing. Allele origin: germline. Inheritance: Autosomal recessive inheritance. Affected: yes. Not counted in ClinVar's aggregate classification.

Literature cited by the submitters: PubMed 1967205 (cited by 4 submitters); PubMed 2200760 (cited by 5 submitters); PubMed 28366028 (cited by 5 submitters); PubMed 28391758 (cited by 4 submitters).